The following is an entry in ClinVar:

ClinVar aggregate classification (germline): Benign/Likely benign. Review status: criteria provided, multiple submitters, no conflicts (2 of 4 stars). 6 submissions from 6 submitters: Benign (2); Likely benign (3). 1 of the submissions does not count toward it. Last evaluated 2026-04-15.

Conditions:
DICER1-related disorder. Also called: DICER1-related condition.
DICER1-related tumor predisposition. Also called: DICER1 syndrome; DICER1-related pleuropulmonary blastoma cancer predisposition syndrome. Identifiers: Orphanet 284343, MedGen C3839822, MONDO:0100216.
Hereditary cancer-predisposing syndrome. Also called: Tumor predisposition; Hereditary neoplastic syndrome; Hereditary Cancer Syndrome; Neoplastic Syndromes, Hereditary. Identifiers: Orphanet 140162, MedGen C0027672, MeSH D009386, MONDO:0015356.

Allele frequency attached by ClinVar (database versions not stated): gnomAD 0.00001; TOPMed 0.00001; ESP Exome Variant Server 0.00008.
gnomAD v4.1: 45 of 1,613,884 alleles (0.0028%); highest among the groups gnomAD compares: East Asian, 0.0045%; no homozygotes.

Submissions (6):

Myriad Genetics, Inc.
Classification: Benign for DICER1-related tumor predisposition. Last evaluated: 2026-04-15. Review status: criteria provided, single submitter. Criteria: Myriad Autosomal Dominant, Autosomal Recessive and X-Linked Classification Criteria (2023). Collection method: clinical testing. Allele origin: unknown.
Comment: This variant is considered benign. This variant is a silent/synonymous amino acid change and it is not expected to impact splicing.

Labcorp Genetics (formerly Invitae), Labcorp
Classification: Benign for DICER1-related tumor predisposition. Last evaluated: 2025-12-21. Review status: criteria provided, single submitter. Criteria: Invitae Variant Classification Sherloc (09022015). Collection method: clinical testing. Allele origin: germline.

Center for Genomic Medicine, Rigshospitalet, Copenhagen University Hospital
Classification: Likely benign. Last evaluated: 2025-03-04. Review status: criteria provided, single submitter. Criteria: ACMG Guidelines, 2015. Collection method: clinical testing. Allele origin: germline.

CeGaT Center for Human Genetics Tuebingen
Classification: Likely benign. Last evaluated: 2022-07-01. Review status: criteria provided, single submitter. Criteria: CeGaT Center For Human Genetics Tuebingen Variant Classification Criteria Version 2. Collection method: clinical testing. Allele origin: germline. Affected: yes. Observed: 1 variant allele.
Comment: DICER1: BP4, BP7

Ambry Genetics
Classification: Likely benign for Hereditary cancer-predisposing syndrome. Last evaluated: 2017-07-17. Review status: criteria provided, single submitter. Criteria: Ambry Variant Classification Scheme 2023. Collection method: clinical testing. Allele origin: germline.

PreventionGenetics, part of Exact Sciences
Classification: Likely benign for DICER1-related condition. Last evaluated: 2024-09-08. Review status: no assertion criteria provided. Collection method: clinical testing. Allele origin: germline. Not counted in ClinVar's aggregate classification.
Comment: This variant is classified as likely benign based on ACMG/AMP sequence variant interpretation guidelines (Richards et al. 2015 PMID: 25741868, with internal and published modifications).

NM_177438.3(DICER1):c.1143C>T (p.Leu381=)

Gene: DICER1 (dicer 1, ribonuclease III; minus strand). Cytogenetic location: 14q32.13.
Variant type: single nucleotide variant.
Coding change: c.1143C>T on transcript NM_177438.3 (MANE Select); coding-DNA position 1143, C replaced by T.
Protein change: p.Leu381=; no amino-acid change (leucine 381 retained).
Molecular consequence: synonymous variant.
Genome position (GRCh38, 1-based): chr14:95,124,429, G>A on the plus strand (C>T on the coding strand, the complement: DICER1 is on the minus strand). VCF-style: chr14-95124429-G-A. GRCh37 (hg19) VCF-style: chr14-95590766-G-A.
Other names: c.1143C>T, p.Leu381= (NM_001195573.1, NM_001271282.3, NM_001291628.2 and 1 more transcripts).
Identifiers: ClinVar variation 417075 (VCV000417075.47), dbSNP rs372592852, ClinGen allele CA7331521.